The following is an entry in ClinVar:

NM_005787.6(ALG3):c.196+8C>T

Gene: ALG3 (ALG3 alpha-1,3- mannosyltransferase; minus strand). Cytogenetic location: 3q27.1.
Variant type: single nucleotide variant.
Coding change: c.196+8C>T on transcript NM_005787.6 (MANE Select); 8 bases into the intron after coding-DNA position 196, C replaced by T.
Molecular consequence: intron variant.
Genome position (GRCh38, 1-based): chr3:184,248,737, G>A on the plus strand (C>T on the coding strand, the complement: ALG3 is on the minus strand). VCF-style: chr3-184248737-G-A. GRCh37 (hg19) VCF-style: chr3-183966525-G-A.
Other names: c.52+489C>T (NM_001006941.2).
Identifiers: ClinVar variation 512452 (VCV000512452.1), dbSNP rs752506643, ClinGen allele CA2729629.

ClinVar aggregate classification (germline): Likely benign (1 of 4 stars; one submission).

Allele frequency attached by ClinVar (database versions not stated): gnomAD 0.00001; TOPMed 0.00001; gnomAD exomes 0.00006 and 0.00019; ExAC 0.00016.

Submission:

GeneDx
Classification: Likely benign. Last evaluated: 2017-10-16. Review status: criteria provided, single submitter. Criteria: GeneDx Variant Classification (06012015). Collection method: clinical testing. Allele origin: germline. Affected: yes.
Comment: This variant is considered likely benign or benign based on one or more of the following criteria: it is a conservative change, it occurs at a poorly conserved position in the protein, it is predicted to be benign by multiple in silico algorithms, and/or has population frequency not consistent with disease.